The following is an entry in ClinVar:

NM_003098.3(SNTA1):c.227A>C (p.Gln76Pro)

Gene: SNTA1 (syntrophin alpha 1; minus strand). Cytogenetic location: 20q11.21.
Variant type: single nucleotide variant.
Coding change: c.227A>C on transcript NM_003098.3 (MANE Select); coding-DNA position 227, A replaced by C.
Protein change: p.Gln76Pro; replaces glutamine 76 with proline.
Molecular consequence: missense variant.
Genome position (GRCh38, 1-based): chr20:33,443,394, T>G on the plus strand (A>C on the coding strand, the complement: SNTA1 is on the minus strand). VCF-style: chr20-33443394-T-G. GRCh37 (hg19) VCF-style: chr20-32031200-T-G.
Other names: c.227A>C, p.Gln76Pro (NM_001424413.1, NM_001424414.1); short protein forms Q76P.
Identifiers: ClinVar variation 3446832 (VCV003446832.1).

ClinVar aggregate classification (germline): Uncertain significance (1 of 4 stars; one submission).

Conditions:
Cardiovascular phenotype. Identifiers: MedGen CN230736.

Submission:

Ambry Genetics
Classification: Uncertain significance for Cardiovascular phenotype. Last evaluated: 2024-10-28. Review status: criteria provided, single submitter. Criteria: Ambry Variant Classification Scheme 2023. Collection method: clinical testing. Allele origin: germline.
Comment: The p.Q76P variant (also known as c.227A>C), located in coding exon 1 of the SNTA1 gene, results from an A to C substitution at nucleotide position 227. The glutamine at codon 76 is replaced by proline, an amino acid with similar properties. This amino acid position is conserved. In addition, this alteration is predicted to be tolerated by in silico analysis. Based on the available evidence, the clinical significance of this variant remains unclear.